The following is an entry in ClinVar:

ClinVar aggregate classification (germline): Uncertain significance (1 of 4 stars; one submission).

Submission:

Quest Diagnostics Nichols Institute San Juan Capistrano
Classification: Uncertain significance. Last evaluated: 2025-08-06. Review status: criteria provided, single submitter. Criteria: Quest Diagnostics criteria. Collection method: clinical testing. Allele origin: unknown.
Comment: The NTHL1 c.-8C>T variant has not been reported in individuals with NTHL1-related conditions in the published literature. The frequency of this variant in the general population (Genome Aggregation Database) is uninformative in the assessment of its pathogenicity. Analysis of this variant using software algorithms for the prediction of the effect of nucleotide changes on splicing yielded predictions that this variant does not affect NTHL1 mRNA splicing. Based on the available information, we are unable to determine the clinical significance of this variant.

NM_002528.6:c.-8C>T

Gene: NTHL1 (nth like DNA glycosylase 1; minus strand).
Variant type: single nucleotide variant.
Identifiers: ClinVar variation 4533053 (VCV004533053.1).